The following is an entry in ClinVar:

ClinVar aggregate classification (germline): Benign/Likely benign. Review status: criteria provided, multiple submitters, no conflicts (2 of 4 stars). 6 submissions from 6 submitters: Benign (1); Likely benign (4). 1 of the submissions does not count toward it. Last evaluated 2023-12-01.

Conditions:
Bamforth-Lazarus syndrome. Identifiers: Orphanet 1226, MedGen C1855794, MONDO:0009437, OMIM 241850.

Allele frequency attached by ClinVar (database versions not stated): 1000 Genomes Project 0.00140; 1000 Genomes Project 30x 0.00141; TOPMed 0.00248; ESP Exome Variant Server 0.00262; gnomAD 0.00267 and 0.00274; gnomAD exomes 0.00267 and 0.00359; ExAC 0.00299.

Submissions (6):

CeGaT Center for Human Genetics Tuebingen
Classification: Likely benign. Last evaluated: 2023-12-01. Review status: criteria provided, single submitter. Criteria: CeGaT Center For Human Genetics Tuebingen Variant Classification Criteria Version 2. Collection method: clinical testing. Allele origin: germline. Affected: yes. Observed: 1 variant allele.
Comment: FOXE1: BP4, BP7, BS2

Labcorp Genetics (formerly Invitae), Labcorp
Classification: Benign. Last evaluated: 2017-11-27. Review status: criteria provided, single submitter. Criteria: Invitae Variant Classification Sherloc (09022015). Collection method: clinical testing. Allele origin: germline.

Clinical Genetics DNA and cytogenetics Diagnostics Lab, Erasmus MC, Erasmus Medical Center
Classification: Likely benign for Bamforth-Lazarus syndrome. Last evaluated: 2017-06-28. Review status: criteria provided, single submitter. Criteria: ACGS Guidelines, 2013. Collection method: clinical testing. Allele origin: germline. Affected: yes. Study: VKGL Data-share Consensus.

Genetic Services Laboratory, University of Chicago
Classification: Likely benign. Last evaluated: 2016-11-07. Review status: criteria provided, single submitter. Criteria: ACMG Guidelines, 2015. Collection method: clinical testing. Allele origin: germline. Affected: no.

Breakthrough Genomics
Classification: Likely benign. Review status: criteria provided, single submitter. Criteria: ACMG Guidelines, 2015. Collection method: not provided. Allele origin: germline. Inheritance: Autosomal recessive inheritance. Affected: yes.

Clinical Genetics, Academic Medical Center
Classification: Benign. Review status: no assertion criteria provided. Collection method: clinical testing. Allele origin: germline. Affected: yes. Study: VKGL Data-share Consensus. Not counted in ClinVar's aggregate classification.

NM_004473.4(FOXE1):c.285A>G (p.Lys95=)

Gene: FOXE1 (forkhead box E1; plus strand). Cytogenetic location: 9q22.33.
Variant type: single nucleotide variant.
Coding change: c.285A>G on transcript NM_004473.4 (MANE Select); coding-DNA position 285, A replaced by G.
Protein change: p.Lys95=; no amino-acid change (lysine 95 retained).
Molecular consequence: synonymous variant.
Genome position (GRCh38, 1-based): chr9:97,854,199, A>G. VCF-style: chr9-97854199-A-G. GRCh37 (hg19) VCF-style: chr9-100616481-A-G.
Identifiers: ClinVar variation 435238 (VCV000435238.35), dbSNP rs139551528, ClinGen allele CA5149054.